The following is an entry in ClinVar:

NM_006031.6(PCNT):c.9533G>A (p.Gly3178Glu)

Gene: PCNT (pericentrin; plus strand). Cytogenetic location: 21q22.3.
Variant type: single nucleotide variant.
Coding change: c.9533G>A on transcript NM_006031.6 (MANE Select); coding-DNA position 9533, G replaced by A.
Protein change: p.Gly3178Glu; replaces glycine 3178 with glutamic acid.
Molecular consequence: missense variant.
Genome position (GRCh38, 1-based): chr21:46,440,994, G>A. VCF-style: chr21-46440994-G-A. GRCh37 (hg19) VCF-style: chr21-47860907-G-A.
Other names: c.8942G>A, p.Gly2981Glu (NM_001315529.2); short protein forms G2981E, G3178E.
Identifiers: ClinVar variation 4980457 (VCV004980457.1).

ClinVar aggregate classification (germline): Uncertain significance (1 of 4 stars; one submission).

Conditions:
PCNT-related disorder. Also called: PCNT-related condition.

gnomAD v4.1: 7 of 1,613,982 alleles (0.00043%); highest among the groups gnomAD compares: Admixed American, 0.012%; no homozygotes.

Submission:

PreventionGenetics, part of Exact Sciences
Classification: Uncertain significance for PCNT-related condition. Last evaluated: 2026-03-14. Review status: criteria provided, single submitter. Criteria: ACMG Guidelines, 2015. Collection method: clinical testing. Allele origin: germline.
Comment: The PCNT c.9533G>A variant is predicted to result in the amino acid substitution p.Gly3178Glu. To our knowledge, this variant has not been reported in the literature. This variant is reported in 0.017% of alleles in individuals of Latino descent in gnomAD. At this time, the clinical significance of this variant is uncertain due to the absence of conclusive functional and genetic evidence.